The following is an entry in ClinVar:

ClinVar aggregate classification (germline): Likely pathogenic (1 of 4 stars; one submission).

Conditions:
Fabry disease. Also called: ALPHA-GALACTOSIDASE A DEFICIENCY; ANDERSON-FABRY DISEASE; CERAMIDE TRIHEXOSIDASE DEFICIENCY; GLA DEFICIENCY; HEREDITARY DYSTOPIC LIPIDOSIS; Angiokeratoma corporis diffusum. Identifiers: Orphanet 324, MedGen C0002986, MONDO:0010526, OMIM 301500, HP:0001071. Disease mechanism: Fabry disease is due to inactivating mutations in the X-linked GLA gene resulting in deficiency of the enzyme Alpha Galactosidase-A., loss of function.

Submission:

Genomenon, Inc
Classification: Likely pathogenic for Fabry disease. Last evaluated: 2026-09-08. Review status: criteria provided, single submitter. Criteria: Genomenon Sequence Variant Interpretation Standards - Updated. Collection method: curation. Allele origin: germline. Affected: yes.
Comment: GLA p.Leu45_His46delinsArgSer (c.134_138delinsGCTCG) is an in-frame deletion-insertion variant resulting in the replacement of Leucine at codon 45 and Histidine at codon 46 with Arginine and Serine. This variant has been observed in at least one proband with clinical features consistent with Fabry disease (PMID:9100224). At least one functional study has demonstrated a substantial alteration in protein function relative to the wild-type (PMID:27657681). This variant is located in a mutational hotspot and/or important functional domain. It is absent or not present at a significant frequency in gnomAD. In conclusion, we classify GLA p.Leu45_His46delinsArgSer (c.134_138delinsGCTCG) as a likely pathogenic variant.

Literature cited by the submitters: PubMed 9100224; PubMed 27657681.

NM_000169.3(GLA):c.134_138delinsGCTCG (p.Leu45_His46delinsArgSer)

Genes: GLA (galactosidase alpha; minus strand), RPL36A-HNRNPH2 (RPL36A-HNRNPH2 readthrough; plus strand). Cytogenetic location: Xq22.1.
Variant type: Indel.
Coding change: c.134_138delinsGCTCG on transcript NM_000169.3 (MANE Select); coding-DNA positions 134 to 138, TGCAC replaced by GCTCG.
Protein change: p.Leu45_His46delinsArgSer.
Molecular consequence: missense variant. On other transcripts: non-coding transcript variant (3), intron variant (2).
Genome position (GRCh38, 1-based): chrX:101,407,766-101,407,770, GTGCA replaced by CGAGC on the plus strand (TGCAC replaced by GCTCG on the coding strand, the reverse complement: GLA is on the minus strand). VCF-style: chrX-101407766-GTGCA-CGAGC. GRCh37 (hg19) VCF-style: chrX-100662754-GTGCA-CGAGC.
Other names: c.134_138delinsGCTCG, p.Leu45_His46delinsArgSer (NM_001406747.1, NM_001406748.1, NM_001406749.1); c.301-4170_301-4166delinsCGAGC (NM_001199973.2); c.178-4170_178-4166delinsCGAGC (NM_001199974.2).
Identifiers: ClinVar variation 4087217 (VCV004087217.2).